The following is an entry in ClinVar:

NM_017654.4(SAMD9):c.4493T>A (p.Ile1498Asn)

Gene: SAMD9 (sterile alpha motif domain containing 9; minus strand). Cytogenetic location: 7q21.2.
Variant type: single nucleotide variant.
Coding change: c.4493T>A on transcript NM_017654.4 (MANE Select); coding-DNA position 4493, T replaced by A.
Protein change: p.Ile1498Asn; replaces isoleucine 1498 with asparagine.
Molecular consequence: missense variant.
Genome position (GRCh38, 1-based): chr7:93,101,605, A>T on the plus strand (T>A on the coding strand, the complement: SAMD9 is on the minus strand). VCF-style: chr7-93101605-A-T. GRCh37 (hg19) VCF-style: chr7-92730918-A-T.
Other names: c.4493T>A, p.Ile1498Asn (NM_001193307.2); short protein forms I1498N.
Identifiers: ClinVar variation 5028792 (VCV005028792.1).

ClinVar aggregate classification (germline): Uncertain significance (1 of 4 stars; one submission).

Conditions:
Inborn genetic diseases. Identifiers: MedGen C0950123, MeSH D030342.

Submission:

Ambry Genetics
Classification: Uncertain significance for Inborn genetic diseases. Last evaluated: 2026-08-16. Review status: criteria provided, single submitter. Criteria: Ambry Variant Classification Scheme 2023. Collection method: clinical testing. Allele origin: germline.
Comment: The p.I1498N variant (also known as c.4493T>A), located in coding exon 1 of the SAMD9 gene, results from a T to A substitution at nucleotide position 4493. The isoleucine at codon 1498 is replaced by asparagine, an amino acid with dissimilar properties. This amino acid position is conserved. In addition, this alteration is predicted to be tolerated by in silico analysis. Based on the available evidence, the clinical significance of this variant remains unclear.